The following is an entry in ClinVar:

ClinVar aggregate classification (germline): Likely pathogenic (1 of 4 stars; one submission).

Conditions:
Lichtenstein-Knorr syndrome (LIKNS). Also called: SPINOCEREBELLAR ATAXIA, AUTOSOMAL RECESSIVE 19. Identifiers: Orphanet 448251, MedGen C4225383, MONDO:0014572, OMIM 616291.

Submission:

Women's Health and Genetics/Laboratory Corporation of America, LabCorp
Classification: Likely pathogenic for Lichtenstein-Knorr syndrome. Last evaluated: 2021-12-17. Review status: criteria provided, single submitter. Criteria: LabCorp Variant Classification Summary - May 2015. Collection method: clinical testing. Allele origin: germline.
Comment: Variant summary: SLC9A1 c.1048_1052dupCTGTC (p.Gly352CysfsX8) results in a premature termination codon, predicted to cause a truncation of the encoded protein or absence of the protein due to nonsense mediated decay, which are commonly known mechanisms for disease. The variant allele was found at a frequency of 4e-06 in 250692 control chromosomes (gnomAD). To our knowledge, no occurrence of c.1048_1052dupCTGTC in individuals affected with Lichtenstein-Knorr Syndrome and no experimental evidence demonstrating its impact on protein function have been reported. No clinical diagnostic laboratories have submitted clinical-significance assessments for this variant to ClinVar after 2014. Based on the evidence outlined above, the variant was classified as likely pathogenic

NM_003047.5(SLC9A1):c.1048_1052dup (p.Gly352fs)

Gene: SLC9A1 (solute carrier family 9 member A1; minus strand). Cytogenetic location: 1p36.11.
Variant type: Duplication.
Coding change: c.1048_1052dup on transcript NM_003047.5 (MANE Select); coding-DNA positions 1048 to 1052, 5 bases duplicated (CTGTC; older notation c.1048_1052dupCTGTC).
Protein change: p.Gly352fs; shifts the reading frame from glycine 352.
Molecular consequence: frameshift variant. On other transcripts: non-coding transcript variant (1).
Genome position (GRCh38, 1-based): chr1:27,109,539-27,109,543, GACAG duplicated on the plus strand (CTGTC on the coding strand, the reverse complement: SLC9A1 is on the minus strand); duplicating any 5 consecutive bases within chr1:27,109,539-27,109,544 gives the same sequence; the c. name uses the placement nearest the transcript's 3' end. VCF-style (leftmost placement, unchanged base first): chr1-27109538-T-TGACAG. GRCh37 (hg19) VCF-style: chr1-27436029-T-TGACAG.
Other names: short protein forms G352fs.
Identifiers: ClinVar variation 1331440 (VCV001331440.1), dbSNP rs1221107969, ClinGen allele CA521907825.